The following is an entry in ClinVar:

NM_002887.4(RARS1):c.741G>A (p.Met247Ile)

Gene: RARS1 (arginyl-tRNA synthetase 1; plus strand). Cytogenetic location: 5q34.
Variant type: single nucleotide variant.
Coding change: c.741G>A on transcript NM_002887.4 (MANE Select); coding-DNA position 741, G replaced by A.
Protein change: p.Met247Ile; replaces methionine 247 with isoleucine.
Molecular consequence: missense variant.
Genome position (GRCh38, 1-based): chr5:168,497,267, G>A. VCF-style: chr5-168497267-G-A. GRCh37 (hg19) VCF-style: chr5-167924272-G-A.
Other names: short protein forms M247I.
Identifiers: ClinVar variation 1800893 (VCV001800893.31), dbSNP rs560759460, ClinGen allele CA3549708.

ClinVar aggregate classification (germline): Conflicting classifications of pathogenicity. Review status: criteria provided, conflicting classifications (1 of 4 stars). 4 submissions from 4 submitters: Uncertain significance (1); Benign (1); Likely benign (2). Last evaluated 2025-02-08.

Conditions:
Inborn genetic diseases. Identifiers: MedGen C0950123, MeSH D030342.

Allele frequency attached by ClinVar (database versions not stated): TOPMed 0.00002; gnomAD 0.00008; gnomAD exomes 0.00011; ExAC 0.00028; 1000 Genomes Project 0.00060; 1000 Genomes Project 30x 0.00062.
gnomAD v4.1: 168 of 1,589,468 alleles (0.011%); highest among the groups gnomAD compares: South Asian, 0.17%; 4 homozygotes.

Submissions (4):

Ambry Genetics
Classification: Likely benign for Inborn genetic diseases. Last evaluated: 2025-02-08. Review status: criteria provided, single submitter. Criteria: Ambry Variant Classification Scheme 2023. Collection method: clinical testing. Allele origin: germline.

CeGaT Center for Human Genetics Tuebingen
Classification: Likely benign. Last evaluated: 2022-12-01. Review status: criteria provided, single submitter. Criteria: CeGaT Center For Human Genetics Tuebingen Variant Classification Criteria Version 2. Collection method: clinical testing. Allele origin: germline. Affected: yes. Observed: 1 variant allele.
Comment: RARS1: PP3, BS2

GeneDx
Classification: Uncertain significance. Last evaluated: 2022-11-22. Review status: criteria provided, single submitter. Criteria: GeneDx Variant Classification Process June 2021. Collection method: clinical testing. Allele origin: germline. Affected: yes.
Comment: In silico analysis supports that this missense variant has a deleterious effect on protein structure/function; Has not been previously published as pathogenic or benign to our knowledge

Labcorp Genetics (formerly Invitae), Labcorp
Classification: Benign. Last evaluated: 2022-03-30. Review status: criteria provided, single submitter. Criteria: Invitae Variant Classification Sherloc (09022015). Collection method: clinical testing. Allele origin: germline.